The following is an entry in ClinVar:

ClinVar aggregate classification (germline): Uncertain significance (1 of 4 stars; one submission).

Submission:

CeGaT Center for Human Genetics Tuebingen
Classification: Uncertain significance. Last evaluated: 2023-04-01. Review status: criteria provided, single submitter. Criteria: CeGaT Center For Human Genetics Tuebingen Variant Classification Criteria Version 2. Collection method: clinical testing. Allele origin: germline. Affected: yes. Observed: 1 variant allele.
Comment: EML1: PM2

NM_004434.3(EML1):c.924G>A (p.Trp308Ter)

Gene: EML1 (EMAP like 1; plus strand). Cytogenetic location: 14q32.2.
Variant type: single nucleotide variant.
Coding change: c.924G>A on transcript NM_004434.3 (MANE Select); coding-DNA position 924, G replaced by A.
Protein change: p.Trp308Ter; replaces tryptophan 308 with a stop codon.
Molecular consequence: nonsense.
Genome position (GRCh38, 1-based): chr14:99,900,955, G>A. VCF-style: chr14-99900955-G-A. GRCh37 (hg19) VCF-style: chr14-100367292-G-A.
Other names: c.981G>A, p.Trp327Ter (NM_001008707.2); c.885G>A, p.Trp295Ter (NM_001375411.1); c.924G>A, p.Trp308Ter (NM_001375412.1); short protein forms W295*, W308*, W327*.
Identifiers: ClinVar variation 2644514 (VCV002644514.24), dbSNP rs2548863390, ClinGen allele CA390958829.
Genomic context (GRCh38, chr14:99,900,955, plus strand): 5'-ACAATTGATGGCTCTGTGTTTCTTTTCTGAACAGCAATTGCCCCCACATGTGCGCATCTG[G>A]GATTCTGTGACATTGAATACTCTCCACGTCATTGGAATAGGTTTTTTTGACCGAGCAGTC-3'